The following is an entry in ClinVar:

NM_000091.5(COL4A3):c.4253-1G>A

Genes: COL4A3 (collagen type IV alpha 3 chain; plus strand), MFF-DT (MFF divergent transcript; minus strand). Cytogenetic location: 2q36.3.
Variant type: single nucleotide variant.
Coding change: c.4253-1G>A on transcript NM_000091.5 (MANE Select); the canonical splice acceptor site of the intron before coding-DNA position 4253, G replaced by A.
Molecular consequence: splice acceptor variant.
Genome position (GRCh38, 1-based): chr2:227,307,709, G>A. VCF-style: chr2-227307709-G-A. GRCh37 (hg19) VCF-style: chr2-228172425-G-A.
Other names: c.4253-1G>A (NM_000091.4).
Identifiers: ClinVar variation 2006331 (VCV002006331.5), dbSNP rs1268304692, ClinGen allele CA350864100.

ClinVar aggregate classification (germline): Likely pathogenic. Review status: criteria provided, multiple submitters, no conflicts (2 of 4 stars). 2 submissions from 2 submitters: Likely pathogenic (2). Last evaluated 2023-05-05.

Conditions:
Alport syndrome. Also called: Hemorrhagic familial nephritis; Hemorrhagic hereditary nephritis; Congenital hereditary hematuria. Identifiers: Orphanet 63, MedGen C1567741, MONDO:0018965.

Allele frequency attached by ClinVar (database versions not stated): gnomAD exomes 0.00001; TOPMed below 0.00001; gnomAD 0.00001.
gnomAD v4.1: 12 of 1,613,638 alleles (0.00074%); highest among the groups gnomAD compares: Non-Finnish European, 0.001%; no homozygotes.

Submissions (2):

Labcorp Genetics (formerly Invitae), Labcorp
Classification: Likely pathogenic. Last evaluated: 2023-05-05. Review status: criteria provided, single submitter. Criteria: Invitae Variant Classification Sherloc (09022015). Collection method: clinical testing. Allele origin: germline.
Comment: In summary, the currently available evidence indicates that the variant is pathogenic, but additional data are needed to prove that conclusively. Therefore, this variant has been classified as Likely Pathogenic. Algorithms developed to predict the effect of sequence changes on RNA splicing suggest that this variant may disrupt the consensus splice site. ClinVar contains an entry for this variant (Variation ID: 2006331). This variant has not been reported in the literature in individuals affected with COL4A3-related conditions. This variant is not present in population databases (gnomAD no frequency). This sequence change affects an acceptor splice site in intron 47 of the COL4A3 gene. It is expected to disrupt RNA splicing. Variants that disrupt the donor or acceptor splice site typically lead to a loss of protein function (PMID: 16199547), and loss-of-function variants in COL4A3 are known to be pathogenic (PMID: 8956999, 24854265, 26809805, 27281700).

Victorian Clinical Genetics Services, Murdoch Childrens Research Institute
Classification: Likely pathogenic for Alport syndrome. Last evaluated: 2022-06-24. Review status: criteria provided, single submitter. Criteria: ACMG Guidelines, 2015. Collection method: clinical testing. Allele origin: germline. Affected: yes.
Comment: Based on the classification scheme VCGS_Germline_v1.3.4, this variant is classified as Likely pathogenic. Following criteria are met: 0103 - Dominant negative and loss of function are known mechanisms of disease in this gene and are associated with COL4A3-related nephropathy. Glycine changes that are part of a G-X-Y repeat in the triple helix of a collagen domain are known to have a dominant negative effect (PMID: 12028435). (I) 0108 - This gene is associated with both recessive (Alport syndrome 2 MIM#203780) and dominant disease (Alport syndrome 3 MIM#104200 and benign familial hematuria MIM#141200) (OMIM, also refer to MONDO). (I) 0211 - Canonical splice site variant without proven consequence on splicing (no functional evidence available). (SP) 0251 - This variant is heterozygous. (I) 0302 - Variant is present in gnomAD (v3) <0.001 for a condition (1 heterozygote, 0 homozygotes). (SP) 0505 - Abnormal splicing is predicted by in silico tools and affected nucleotide is highly conserved. (SP) 0705 - No comparable canonical splice site variants have previous evidence for pathogenicity. (I) 0807 - This variant has no previous evidence of pathogenicity. (I) 0905 - No published segregation evidence has been identified for this variant. (I) 1007 - No published functional evidence has been identified for this variant. (I) 1208 - Inheritance information for this variant is not currently available in this individual. (I) Legend: (SP) - Supporting pathogenic, (I) - Information, (SB) - Supporting benign

Literature cited by the submitters: PubMed 16199547 (cited by Labcorp Genetics (formerly Invitae), Labcorp); PubMed 8956999 (cited by Labcorp Genetics (formerly Invitae), Labcorp); PubMed 24854265 (cited by Labcorp Genetics (formerly Invitae), Labcorp); PubMed 26809805 (cited by Labcorp Genetics (formerly Invitae), Labcorp); PubMed 27281700 (cited by Labcorp Genetics (formerly Invitae), Labcorp); PubMed 12028435 (cited by Victorian Clinical Genetics Services, Murdoch Childrens Research Institute).